The following is an entry in ClinVar:

NM_006648.4(WNK2):c.4709C>T (p.Ala1570Val)

Gene: WNK2 (WNK lysine deficient protein kinase 2; plus strand). Cytogenetic location: 9q22.31.
Variant type: single nucleotide variant.
Coding change: c.4709C>T on transcript NM_006648.4 (MANE Select); coding-DNA position 4709, C replaced by T.
Protein change: p.Ala1570Val; replaces alanine 1570 with valine.
Molecular consequence: missense variant.
Genome position (GRCh38, 1-based): chr9:93,289,463, C>T. VCF-style: chr9-93289463-C-T. GRCh37 (hg19) VCF-style: chr9-96051745-C-T.
Other names: c.4820C>T, p.Ala1607Val (NM_001282394.3); short protein forms A1607V, A1570V.
Identifiers: ClinVar variation 3470091 (VCV003470091.1).
Genomic context (GRCh38, chr9:93,289,463, plus strand): 5'-AGAGCCTGGACGAGAAGCTGCGGACTCTGCTCTACCAGGAGCACGTGCCCACCTCCTCAG[C>T]CTCAGCTGGGACCCCTGTGGAGGTGGGCGACAGAGACTTCACCCTGGAGCCCCTGAGAGG-3'
Protein context (NP_006639.3, residues 1560-1580): LYQEHVPTSS[Ala1570Val]SAGTPVEVGD

ClinVar aggregate classification (germline): Uncertain significance (1 of 4 stars; one submission).

gnomAD v4.1: 298 of 1,612,676 alleles (0.018%); highest among the groups gnomAD compares: Non-Finnish European, 0.025%; 1 homozygote.

Submission:

Ambry Genetics
Classification: Uncertain significance. Last evaluated: 2024-10-05. Review status: criteria provided, single submitter. Criteria: Ambry Variant Classification Scheme 2023. Collection method: clinical testing. Allele origin: germline.
Comment: The p.A1570V variant (also known as c.4709C>T), located in coding exon 19 of the WNK2 gene, results from a C to T substitution at nucleotide position 4709. The alanine at codon 1570 is replaced by valine, an amino acid with similar properties. This amino acid position is conserved. In addition, this alteration is predicted to be tolerated by in silico analysis. Based on the available evidence, the clinical significance of this variant remains unclear.